The following is an entry in ClinVar:

ClinVar aggregate classification (germline): Pathogenic/Likely pathogenic. Review status: criteria provided, multiple submitters, no conflicts (2 of 4 stars). 2 submissions from 2 submitters: Pathogenic (1); Likely pathogenic (1). Last evaluated 2024-09-03.

Conditions:
Okur-Chung neurodevelopmental syndrome (OCNDS). Identifiers: Orphanet 689422, MedGen C4310739, MONDO:0014893, OMIM 617062.

Submissions (2):

Division of Genetic & Genomic Pathology, Hong Kong Children's Hospital
Classification: Likely pathogenic for Okur-Chung neurodevelopmental syndrome. Last evaluated: 2024-09-03. Review status: criteria provided, single submitter. Criteria: ACMG Guidelines, 2015. Collection method: clinical testing. Allele origin: germline. Affected: yes.
Comment: CSNK2A1 c.524A>C is a missense variant located in exon 9 of the CSNK2A1 gene. The variant is absent from population controls (gnomAD v.4.1.0) and clinical databases (ClinVar and HGMD Professional 2024.2) at the time of reporting. Other missense variants affecting the same amino acid p.Asp175 have been reported in patients with Okur-Chung neurodevelopmental syndrome or Neurodevelopmental abnormalities (ClinVar Accession: VCV000224799.1 and VCV002504560.1; HGMD Accession: CM167590 and CM210384). The majority of in silico algorithms predict this missense variant to be deleterious (REVEL score 0.95). For these reasons, this variant is classified as likely pathogenic.

GeneDx
Classification: Pathogenic. Last evaluated: 2024-06-20. Review status: criteria provided, single submitter. Criteria: GeneDx Variant Classification Process June 2021. Collection method: clinical testing. Allele origin: germline. Affected: yes.
Comment: Not observed at significant frequency in large population cohorts (gnomAD); In silico analysis supports that this missense variant has a deleterious effect on protein structure/function; Has not been previously published as pathogenic or benign to our knowledge

NM_177559.3(CSNK2A1):c.524A>C (p.Asp175Ala)

Gene: CSNK2A1 (casein kinase 2 alpha 1; minus strand). Cytogenetic location: 20p13.
Variant type: single nucleotide variant.
Coding change: c.524A>C on transcript NM_177559.3 (MANE Select); coding-DNA position 524, A replaced by C.
Protein change: p.Asp175Ala; replaces aspartic acid 175 with alanine.
Molecular consequence: missense variant.
Genome position (GRCh38, 1-based): chr20:492,351, T>G on the plus strand (A>C on the coding strand, the complement: CSNK2A1 is on the minus strand). VCF-style: chr20-492351-T-G. GRCh37 (hg19) VCF-style: chr20-472995-T-G.
Other names: c.524A>C, p.Asp175Ala (NM_001362770.2, NM_001362771.2, NM_001895.4); c.116A>C, p.Asp39Ala (NM_177560.3); short protein forms D175A, D39A.
Identifiers: ClinVar variation 3391482 (VCV003391482.2).